The following is an entry in ClinVar:

ClinVar aggregate classification (germline): Likely pathogenic (1 of 4 stars; one submission).

Conditions:
Glycogen storage disease due to muscle beta-enolase deficiency (GSD13). Also called: ENOLASE 3 DEFICIENCY; ENOLASE-BETA DEFICIENCY; GSD XIII; Glycogen Storage Disease Type XIII. Identifiers: Orphanet 99849, MedGen C2752027, MONDO:0013046, OMIM 612932.

Submission:

Juno Genomics, Hangzhou Juno Genomics, Inc
Classification: Likely pathogenic for Glycogen storage disease due to muscle beta-enolase deficiency. Review status: criteria provided, single submitter. Criteria: ACMG Guidelines, 2015. Collection method: clinical testing. Allele origin: germline.
Comment: Null variant in a gene where loss of function (LOF) is a known mechanism of disease.;Absent from controls (or at extremely low frequency if recessive) in Genome Aggregation Database.

NM_053013.4(ENO3):c.640_652delinsCTTCATTG (p.Ala214fs)

Gene: ENO3 (enolase 3; plus strand). Cytogenetic location: 17p13.2.
Variant type: Indel.
Coding change: c.640_652delinsCTTCATTG on transcript NM_053013.4 (MANE Select); coding-DNA positions 640 to 652, GCACCCAACATCC replaced by CTTCATTG.
Protein change: p.Ala214fs; shifts the reading frame from alanine 214.
Molecular consequence: frameshift variant.
Genome position (GRCh38, 1-based): chr17:4,955,270-4,955,282, GCACCCAACATCC replaced by CTTCATTG. VCF-style: chr17-4955270-GCACCCAACATCC-CTTCATTG. GRCh37 (hg19) VCF-style: chr17-4858565-GCACCCAACATCC-CTTCATTG.
Other names: c.511_523delinsCTTCATTG, p.Ala171fs (NM_001193503.2); c.640_652delinsCTTCATTG, p.Ala214fs (NM_001374523.1, NM_001976.5); c.667_679delinsCTTCATTG, p.Ala223fs (NM_001374524.1); short protein forms A171fs, A214fs, A223fs.
Identifiers: ClinVar variation 5005769 (VCV005005769.2).
Genomic context (GRCh38, chr17:4,955,270, plus strand): 5'-GGGGTCATCAAGGCCAAGTATGGGAAGGATGCCACCAATGTGGGTGATGAAGGTGGCTTC[GCACCCAACATCC>CTTCATTG]TGGAGAACAATGAGGGTCAGTGCTGAGCACCCTGGGGGGCAGACCCCCTGGATCTCCACA-3'